The following is an entry in ClinVar:

ClinVar aggregate classification (germline): Uncertain significance (1 of 4 stars; one submission).

Conditions:
Neuropathy, hereditary sensory and autonomic, type 2A (HSAN2A). Also called: ACROOSTEOLYSIS, GIACCAI TYPE; ACROOSTEOLYSIS, NEUROGENIC; MORVAN DISEASE; NEUROPATHY, CONGENITAL SENSORY; NEUROPATHY, HEREDITARY SENSORY RADICULAR, AUTOSOMAL RECESSIVE; NEUROPATHY, HEREDITARY SENSORY, TYPE IIA. Identifiers: Orphanet 970, MedGen C2752089, MONDO:0024309, OMIM 201300.
Generalized epilepsy with febrile seizures plus, type 7 (GEFSP7). Also called: GEFS+, TYPE 7. Identifiers: Orphanet 36387, MedGen C2751778, MONDO:0013470, OMIM 613863.

Submission:

Labcorp Genetics (formerly Invitae), Labcorp
Classification: Uncertain significance for Neuropathy, hereditary sensory and autonomic, type 2A; Generalized epilepsy with febrile seizures plus, type 7. Last evaluated: 2025-06-16. Review status: criteria provided, single submitter. Criteria: Invitae Variant Classification Sherloc (09022015). Collection method: clinical testing. Allele origin: germline.
Comment: This sequence change replaces serine, which is neutral and polar, with proline, which is neutral and non-polar, at codon 119 of the SCN9A protein (p.Ser119Pro). This variant is not present in population databases (gnomAD no frequency). This variant has not been reported in the literature in individuals affected with SCN9A-related conditions. ClinVar contains an entry for this variant (Variation ID: 2938845). Invitae Evidence Modeling of protein sequence and biophysical properties (such as structural, functional, and spatial information, amino acid conservation, physicochemical variation, residue mobility, and thermodynamic stability) has been performed for this missense variant. However, the output from this modeling did not meet the statistical confidence thresholds required to predict the impact of this variant on SCN9A protein function. In summary, the available evidence is currently insufficient to determine the role of this variant in disease. Therefore, it has been classified as a Variant of Uncertain Significance.

NM_001365536.1(SCN9A):c.355T>C (p.Ser119Pro)

Gene: SCN9A (sodium voltage-gated channel alpha subunit 9; minus strand). Cytogenetic location: 2q24.3.
Variant type: single nucleotide variant.
Coding change: c.355T>C on transcript NM_001365536.1 (MANE Select); coding-DNA position 355, T replaced by C.
Protein change: p.Ser119Pro; replaces serine 119 with proline.
Molecular consequence: missense variant.
Genome position (GRCh38, 1-based): chr2:166,306,978, A>G on the plus strand (T>C on the coding strand, the complement: SCN9A is on the minus strand). VCF-style: chr2-166306978-A-G. GRCh37 (hg19) VCF-style: chr2-167163488-A-G.
Other names: c.355T>C, p.Ser119Pro (NM_002977.4); short protein forms S119P.
Identifiers: ClinVar variation 2938845 (VCV002938845.3), dbSNP rs2468135047, ClinGen allele CA349095553.